The following is an entry in ClinVar:

NM_006929.5(SKIC2):c.1636_1637insT (p.Gly546fs)

Gene: SKIC2 (SKI2 subunit of superkiller complex; plus strand). Cytogenetic location: 6p21.33.
Variant type: Insertion.
Coding change: c.1636_1637insT on transcript NM_006929.5 (MANE Select); coding-DNA positions 1636 to 1637, T inserted.
Protein change: p.Gly546fs; shifts the reading frame from glycine 546.
Molecular consequence: frameshift variant.
Genome position: GRCh38 VCF-style: chr6-31963722-G-GT. GRCh37 (hg19) VCF-style: chr6-31931499-G-GT.
Other names: short protein forms G546fs.
Identifiers: ClinVar variation 2843708 (VCV002843708.3), dbSNP rs2482941580, ClinGen allele CA2739272874.

ClinVar aggregate classification (germline): Pathogenic (1 of 4 stars; one submission).

Submission:

Labcorp Genetics (formerly Invitae), Labcorp
Classification: Pathogenic. Last evaluated: 2024-07-08. Review status: criteria provided, single submitter. Criteria: Invitae Variant Classification Sherloc (09022015). Collection method: clinical testing. Allele origin: germline.
Comment: This sequence change creates a premature translational stop signal (p.Gly546Valfs*35) in the SKIV2L gene. It is expected to result in an absent or disrupted protein product. Loss-of-function variants in SKIV2L are known to be pathogenic (PMID: 22444670). This variant is not present in population databases (gnomAD no frequency). This variant has not been reported in the literature in individuals affected with SKIV2L-related conditions. For these reasons, this variant has been classified as Pathogenic.

Literature cited by the submitters: PubMed 22444670.